The following is an entry in ClinVar:

NM_004006.3(DMD):c.7766A>C (p.Lys2589Thr)

Gene: DMD (dystrophin; minus strand). Cytogenetic location: Xp21.1.
Variant type: single nucleotide variant.
Coding change: c.7766A>C on transcript NM_004006.3 (MANE Select); coding-DNA position 7766, A replaced by C.
Protein change: p.Lys2589Thr; replaces lysine 2589 with threonine.
Molecular consequence: missense variant.
Genome position (GRCh38, 1-based): chrX:31,679,481, T>G on the plus strand (A>C on the coding strand, the complement: DMD is on the minus strand). VCF-style: chrX-31679481-T-G. GRCh37 (hg19) VCF-style: chrX-31697598-T-G.
Other names: c.7742A>C, p.Lys2581Thr (NM_000109.4); c.7754A>C, p.Lys2585Thr (NM_004009.3); c.7397A>C, p.Lys2466Thr (NM_004010.3); c.3743A>C, p.Lys1248Thr (NM_004011.4); c.3734A>C, p.Lys1245Thr (NM_004012.4); c.386A>C, p.Lys129Thr (NM_004013.3, NM_004020.4, NM_004021.3 and 2 more transcripts); c.7766A>C (NM_004006.2); short protein forms K129T, K2581T, K2466T, K2589T, K1245T, K2585T, K1248T.
Identifiers: ClinVar variation 2565100 (VCV002565100.2), dbSNP rs1603445313, ClinGen allele CA412656784.

ClinVar aggregate classification (germline): Uncertain significance (1 of 4 stars; one submission).

Conditions:
Cardiovascular phenotype. Identifiers: MedGen CN230736.

Submission:

Ambry Genetics
Classification: Uncertain significance for Cardiovascular phenotype. Last evaluated: 2023-05-22. Review status: criteria provided, single submitter. Criteria: Ambry Variant Classification Scheme 2023. Collection method: clinical testing. Allele origin: germline.
Comment: The p.K2589T variant (also known as c.7766A>C), located in coding exon 53 of the DMD gene, results from an A to C substitution at nucleotide position 7766. The lysine at codon 2589 is replaced by threonine, an amino acid with similar properties. This amino acid position is well conserved in available vertebrate species. In addition, this alteration is predicted to be tolerated by in silico analysis. Since supporting evidence is limited at this time, the clinical significance of this alteration remains unclear.